The following is an entry in ClinVar:

NM_003823.4(TNFRSF6B):c.349A>G (p.Thr117Ala)

Genes: RTEL1-TNFRSF6B (RTEL1-TNFRSF6B readthrough (NMD candidate); plus strand), TNFRSF6B (TNF receptor superfamily member 6b; plus strand). Cytogenetic location: 20q13.33.
Variant type: single nucleotide variant.
Coding change: c.349A>G on transcript NM_003823.4 (MANE Select); coding-DNA position 349, A replaced by G.
Protein change: p.Thr117Ala; replaces threonine 117 with alanine.
Molecular consequence: missense variant. On other transcripts: non-coding transcript variant (1).
Genome position (GRCh38, 1-based): chr20:63,697,116, A>G. VCF-style: chr20-63697116-A-G. GRCh37 (hg19) VCF-style: chr20-62328469-A-G.
Other names: short protein forms T117A.
Identifiers: ClinVar variation 1418601 (VCV001418601.6), dbSNP rs1218931098, ClinGen allele CA409711257.

ClinVar aggregate classification (germline): Uncertain significance (1 of 4 stars; one submission).

Allele frequency attached by ClinVar (database versions not stated): gnomAD exomes below 0.00001; TOPMed below 0.00001.
gnomAD v4.1: 5 of 1,599,482 alleles (0.00031%); highest among the groups gnomAD compares: Non-Finnish European, 0.00043%; no homozygotes.

Submission:

Labcorp Genetics (formerly Invitae), Labcorp
Classification: Uncertain significance. Last evaluated: 2021-07-28. Review status: criteria provided, single submitter. Criteria: Invitae Variant Classification Sherloc (09022015). Collection method: clinical testing. Allele origin: germline.
Comment: This variant has not been reported in the literature in individuals affected with TNFRSF6B-related conditions. This variant is not present in population databases (ExAC no frequency). This sequence change replaces threonine with alanine at codon 117 of the TNFRSF6B protein (p.Thr117Ala). The threonine residue is weakly conserved and there is a small physicochemical difference between threonine and alanine. In summary, the available evidence is currently insufficient to determine the role of this variant in disease. Therefore, it has been classified as a Variant of Uncertain Significance. Algorithms developed to predict the effect of missense changes on protein structure and function output the following: SIFT: "Tolerated"; PolyPhen-2: "Benign"; Align-GVGD: "Class C0". The alanine amino acid residue is found in multiple mammalian species, which suggests that this missense change does not adversely affect protein function.